The following is an entry in ClinVar:

NM_000057.4(BLM):c.3038A>G (p.His1013Arg)

Gene: BLM (BLM RecQ like helicase; plus strand). Cytogenetic location: 15q26.1.
Variant type: single nucleotide variant.
Coding change: c.3038A>G on transcript NM_000057.4 (MANE Select); coding-DNA position 3038, A replaced by G.
Protein change: p.His1013Arg; replaces histidine 1013 with arginine.
Molecular consequence: missense variant.
Genome position (GRCh38, 1-based): chr15:90,794,185, A>G. VCF-style: chr15-90794185-A-G. GRCh37 (hg19) VCF-style: chr15-91337415-A-G.
Other names: c.3038A>G, p.His1013Arg (NM_001287246.2, NM_001287247.2); c.1913A>G, p.His638Arg (NM_001287248.2); short protein forms H1013R, H638R.
Identifiers: ClinVar variation 1512239 (VCV001512239.7), dbSNP rs2151187153, ClinGen allele CA393846691.
Genomic context (GRCh38, chr15:90,794,185, plus strand): 5'-TCCCCTATAAGTATGTCTTACTATAGTCTTCATCTCTTTTAGTGGAAAAAGATGGAAACC[A>G]TCATACAAGAGAAACTCACTTCAATAATTTGTATAGCATGGTACATTACTGTGAAAATAT-3'
Protein context (NP_000048.1, residues 1003-1023): RLIMMEKDGN[His1013Arg]HTRETHFNNL

ClinVar aggregate classification (germline): Uncertain significance. Review status: criteria provided, multiple submitters, no conflicts (2 of 4 stars). 2 submissions from 2 submitters: Uncertain significance (2). Last evaluated 2025-11-04.

Conditions:
Hereditary cancer-predisposing syndrome. Also called: Hereditary neoplastic syndrome; Neoplastic Syndromes, Hereditary; Tumor predisposition; Hereditary Cancer Syndrome. Identifiers: Orphanet 140162, MedGen C0027672, MeSH D009386, MONDO:0015356.
Bloom syndrome (BLM). Also called: Bloom-Torre-Machacek syndrome. Identifiers: Orphanet 125, MedGen C0005859, MONDO:0008876, OMIM 210900.

gnomAD v4.1: 1 of 1,604,262 alleles (0.000062%); highest among the groups gnomAD compares: Non-Finnish European, 0.000085%; no homozygotes.

Submissions (2):

Labcorp Genetics (formerly Invitae), Labcorp
Classification: Uncertain significance for Bloom syndrome. Last evaluated: 2025-11-04. Review status: criteria provided, single submitter. Criteria: Invitae Variant Classification Sherloc (09022015). Collection method: clinical testing. Allele origin: germline.
Comment: This sequence change replaces histidine, which is basic and polar, with arginine, which is basic and polar, at codon 1013 of the BLM protein (p.His1013Arg). This variant is not present in population databases (gnomAD no frequency). This variant has not been reported in the literature in individuals affected with BLM-related conditions. ClinVar contains an entry for this variant (Variation ID: 1512239). Invitae Evidence Modeling of protein sequence and biophysical properties (such as structural, functional, and spatial information, amino acid conservation, physicochemical variation, residue mobility, and thermodynamic stability) indicates that this missense variant is not expected to disrupt BLM protein function with a negative predictive value of 80%. In summary, the available evidence is currently insufficient to determine the role of this variant in disease. Therefore, it has been classified as a Variant of Uncertain Significance.

Ambry Genetics
Classification: Uncertain significance for Hereditary cancer-predisposing syndrome. Last evaluated: 2022-06-04. Review status: criteria provided, single submitter. Criteria: Ambry Variant Classification Scheme 2023. Collection method: clinical testing. Allele origin: germline.
Comment: The p.H1013R variant (also known as c.3038A>G), located in coding exon 15 of the BLM gene, results from an A to G substitution at nucleotide position 3038. The histidine at codon 1013 is replaced by arginine, an amino acid with highly similar properties. This amino acid position is conserved. In addition, this alteration is predicted to be tolerated by in silico analysis. Since supporting evidence is limited at this time, the clinical significance of this alteration remains unclear.